The following is an entry in ClinVar:

NM_000179.3(MSH6):c.328G>C (p.Val110Leu)

Gene: MSH6 (mutS homolog 6; plus strand). Cytogenetic location: 2p16.3.
Variant type: single nucleotide variant.
Coding change: c.328G>C on transcript NM_000179.3 (MANE Select); coding-DNA position 328, G replaced by C.
Protein change: p.Val110Leu; replaces valine 110 with leucine.
Molecular consequence: missense variant. On other transcripts: intron variant (1), 5 prime UTR variant (2).
Genome position (GRCh38, 1-based): chr2:47,790,994, G>C. VCF-style: chr2-47790994-G-C. GRCh37 (hg19) VCF-style: chr2-48018133-G-C.
Other names: c.31G>C, p.Val11Leu (NM_001406822.1, NM_001406824.1, NM_001406825.1 and 10 more transcripts); c.-409G>C (NM_001406823.1, NM_001406829.1, NM_001281493.2 and 1 more transcripts); c.160G>C, p.Val54Leu (NM_001406826.1); c.328G>C, p.Val110Leu (NM_001407362.1, NM_001406796.1, NM_001406798.1 and 6 more transcripts); c.237+7524G>C (NM_001281492.2); c.-575G>C (NM_001281494.2); c.424G>C, p.Val142Leu (NM_001406795.1, NM_001406802.1); c.250G>C, p.Val84Leu (NM_001406804.1); and 2 more; short protein forms V142L, V84L, V110L, V11L, V54L.
Identifiers: ClinVar variation 1729836 (VCV001729836.4), dbSNP rs876659374, ClinGen allele CA346736941.

ClinVar aggregate classification (germline): Uncertain significance. Review status: criteria provided, multiple submitters, no conflicts (2 of 4 stars). 2 submissions from 2 submitters: Uncertain significance (2). Last evaluated 2025-12-05.

Conditions:
Hereditary cancer-predisposing syndrome. Also called: Neoplastic Syndromes, Hereditary; Tumor predisposition; Hereditary Cancer Syndrome; Hereditary neoplastic syndrome. Identifiers: Orphanet 140162, MedGen C0027672, MeSH D009386, MONDO:0015356.
Endometrial carcinoma. Also called: Endometrial carcinoma, somatic. Identifiers: MedGen C0476089, MONDO:0002447, OMIM 608089, HP:0012114.

Allele frequency attached by ClinVar (database versions not stated): gnomAD exomes below 0.00001.

Submissions (2):

Ambry Genetics
Classification: Uncertain significance for Hereditary cancer-predisposing syndrome. Last evaluated: 2025-12-05. Review status: criteria provided, single submitter. Criteria: Ambry Variant Classification Scheme 2023. Collection method: clinical testing. Allele origin: germline.
Comment: The p.V110L variant (also known as c.328G>C), located in coding exon 2 of the MSH6 gene, results from a G to C substitution at nucleotide position 328. The valine at codon 110 is replaced by leucine, an amino acid with highly similar properties. This amino acid position is well conserved in available vertebrate species. In addition, the in silico prediction for this alteration is inconclusive. Based on the available evidence, the clinical significance of this variant remains unclear.

Baylor Genetics
Classification: Uncertain significance for Endometrial carcinoma. Last evaluated: 2023-09-08. Review status: criteria provided, single submitter. Criteria: ACMG Guidelines, 2015. Collection method: clinical testing. Allele origin: unknown.